The following is an entry in ClinVar:

NM_000108.5(DLD):c.-42C>T

Gene: DLD (dihydrolipoamide dehydrogenase; plus strand). Cytogenetic location: 7q31.1.
Variant type: single nucleotide variant.
Coding change: c.-42C>T on transcript NM_000108.5 (MANE Select); 42 bases upstream of the start codon, C replaced by T.
Molecular consequence: 5 prime UTR variant.
Genome position (GRCh38, 1-based): chr7:107,891,209, C>T. VCF-style: chr7-107891209-C-T. GRCh37 (hg19) VCF-style: chr7-107531654-C-T.
Other names: c.-190C>T (NM_001289750.1); c.-42C>T (NM_001289751.1, NM_001289752.1).
Identifiers: ClinVar variation 377771 (VCV000377771.1), dbSNP rs200830300, ClinGen allele CA4434291.

ClinVar aggregate classification (germline): Likely benign (1 of 4 stars; one submission).

Allele frequency attached by ClinVar (database versions not stated): TOPMed 0.00001; gnomAD 0.00003.
gnomAD v4.1: 42 of 1,612,658 alleles (0.0026%); highest among the groups gnomAD compares: Middle Eastern, 0.033%; 1 homozygote.

Submission:

GeneDx
Classification: Likely benign. Last evaluated: 2016-11-15. Review status: criteria provided, single submitter. Criteria: GeneDx Variant Classification (06012015). Collection method: clinical testing. Allele origin: germline. Affected: yes.
Comment: This variant is considered likely benign or benign based on one or more of the following criteria: it is a conservative change, it occurs at a poorly conserved position in the protein, it is predicted to be benign by multiple in silico algorithms, and/or has population frequency not consistent with disease.